The following is an entry in ClinVar:

ClinVar aggregate classification (germline): Pathogenic (0 of 4 stars; one submission).

Submission:

Quest Diagnostics Nichols Institute San Juan Capistrano
Classification: Pathogenic. Last evaluated: 2021-06-01. Review status: no assertion criteria provided. Collection method: clinical testing. Allele origin: germline.
Comment: The 12q23.3q24.12 deletion is expected to cause phenotypic and/or developmental abnormalities. It involves 75 protein-coding genes including multiple genes associated with autosomal dominant disorders: ATP2A2 (OMIM 108740), MVK (OMIM 251170), MYL2 (OMIM 160781), CUX2 (OMIM 610648), TRPV4 (OMIM 605427), and multiple exons of the 3-prime portion of ATXN2 (OMIM 601517). Heterozygous variants including loss-of-function variants of ATP2A2 cause the autosomal dominant skin disorders Darier-White disease (OMIM 124200) and acrokeratosis verruciformis (OMIM 101900). Additionally, heterozygous variants including partial deletions or loss-of-function sequencing variants of MVK have been associated with autosomal dominant porokeratosis-3 of multiple types (OMIM 175900). Further, heterozygous loss-of-function sequence variants of MYL2 are associated with hypertrophic cardiomyopathy-10 (OMIM 608758) and to a lesser extent with dilated cardiomyopathy (Huang et al., FEBS J. 2015 Jun;282(12):2379-93. PMID: 25825243). A de novo heterozygous missense variant of CUX2 has been associated with developmental and epileptic encephalopathy-67 (OMIM 618141), while other heterozygous sequence variants, including a nonsense variant, have been identified in individuals with autism and developmental delay/intellectual disability (Rauch et al., Lancet. 2012 Nov 10;380(9854):1674-82. PMID: 23020937; Lim et al., Nat Neurosci. 2017 Sep;20(9):1217-1224. PMID: 28714951; McRae et al., Nature. 2017 Feb 23;542(7642):433-438. PMID: 28135719). Contiguous gene deletions of this locus appear to be rare. In one case, a larger overlapping deletion occurred de novo in an individual with congenital hearing loss, intellectual delay, and motor delay (Petek et al., Am J Med Genet A. 2003 Mar 1;117A(2):122-6. PMID: 12567408).

GRCh37/hg19 12q23.3-24.12(chr12:104230462-111984801)x1

Genes: ALDH1L2 (aldehyde dehydrogenase 1 family member L2; minus strand), ALKBH2 (alkB homolog 2, alpha-ketoglutarate dependent dioxygenase; minus strand), ANAPC7 (anaphase promoting complex subunit 7; minus strand), ANKRD13A (ankyrin repeat domain 13A; plus strand), APPL2 (adaptor protein, phosphotyrosine interacting with PH domain and leucine zipper 2; minus strand) and 70 more. Cytogenetic location: 12q23.3-24.12.
Variant type: copy number loss.
Change: copy number 1 (one copy instead of two) of chr12:104,230,462-111,984,801 (7.75 Mb, GRCh37 coordinates, 1-based), cytogenetic band 12q23.3-24.12.
Identifiers: ClinVar variation 1340640 (VCV001340640.1).